The following is an entry in ClinVar:

ClinVar aggregate classification (germline): Uncertain significance (1 of 4 stars; one submission).

Submission:

Ambry Genetics
Classification: Uncertain significance. Last evaluated: 2025-10-19. Review status: criteria provided, single submitter. Criteria: Ambry Variant Classification Scheme 2023. Collection method: clinical testing. Allele origin: germline.
Comment: The p.Q530R variant (also known as c.1589A>G), located in coding exon 9 of the PALLD gene, results from an A to G substitution at nucleotide position 1589. The glutamine at codon 530 is replaced by arginine, an amino acid with highly similar properties. This amino acid position is conserved. In addition, the in silico prediction for this alteration is inconclusive. Based on the available evidence, the clinical significance of this variant remains unclear.

NM_001166108.2(PALLD):c.3101A>G (p.Gln1034Arg)

Genes: CBR4 (carbonyl reductase 4; minus strand), PALLD (palladin, cytoskeletal associated protein; plus strand). Cytogenetic location: 4q32.3.
Variant type: single nucleotide variant.
Coding change: c.3101A>G on transcript NM_001166108.2 (MANE Select); coding-DNA position 3101, A replaced by G.
Protein change: p.Gln1034Arg; replaces glutamine 1034 with arginine.
Molecular consequence: missense variant.
Genome position (GRCh38, 1-based): chr4:168,924,297, A>G. VCF-style: chr4-168924297-A-G. GRCh37 (hg19) VCF-style: chr4-169845448-A-G.
Other names: c.1904A>G, p.Gln635Arg (NM_001166109.2); c.1589A>G, p.Gln530Arg (NM_001166110.2); c.929A>G, p.Gln310Arg (NM_001367567.1, NM_001367569.1); c.980A>G, p.Gln327Arg (NM_001367568.1, NM_001367570.1); c.3050A>G, p.Gln1017Arg (NM_016081.4); short protein forms Q1017R, Q310R, Q327R, Q1034R, Q530R, Q635R.
Identifiers: ClinVar variation 4564163 (VCV004564163.1).